The following is an entry in ClinVar:

NM_148919.4(PSMB8):c.470A>G (p.Asn157Ser)

Gene: PSMB8 (proteasome 20S subunit beta 8; minus strand). Cytogenetic location: 6p21.32.
Variant type: single nucleotide variant.
Coding change: c.470A>G on transcript NM_148919.4 (MANE Select); coding-DNA position 470, A replaced by G.
Protein change: p.Asn157Ser; replaces asparagine 157 with serine.
Molecular consequence: missense variant.
Genome position (GRCh38, 1-based): chr6:32,842,201, T>C on the plus strand (A>G on the coding strand, the complement: PSMB8 is on the minus strand). VCF-style: chr6-32842201-T-C. GRCh37 (hg19) VCF-style: chr6-32809978-T-C.
Other names: c.458A>G, p.Asn153Ser (NM_004159.5); c.470A>G (NM_148919.3); short protein forms N153S, N157S.
Identifiers: ClinVar variation 1416466 (VCV001416466.7), dbSNP rs372030309, ClinGen allele CA3746371.

ClinVar aggregate classification (germline): Uncertain significance. Review status: criteria provided, multiple submitters, no conflicts (2 of 4 stars). 2 submissions from 2 submitters: Uncertain significance (2). Last evaluated 2024-08-28.

Conditions:
Proteosome-associated autoinflammatory syndrome. Also called: Proteasome-associated autoinflammatory syndrome. Identifiers: Orphanet 324977, MedGen C1850568, MONDO:0009726.
Inborn genetic diseases. Identifiers: MedGen C0950123, MeSH D030342.

Allele frequency attached by ClinVar (database versions not stated): gnomAD exomes below 0.00001 and 0.00001; ExAC 0.00001; gnomAD 0.00001; TOPMed 0.00002; ESP Exome Variant Server 0.00012.

Submissions (2):

Ambry Genetics
Classification: Uncertain significance for Inborn genetic diseases. Last evaluated: 2024-08-28. Review status: criteria provided, single submitter. Criteria: Ambry Variant Classification Scheme 2023. Collection method: clinical testing. Allele origin: germline.

Labcorp Genetics (formerly Invitae), Labcorp
Classification: Uncertain significance for Proteosome-associated autoinflammatory syndrome. Last evaluated: 2022-03-07. Review status: criteria provided, single submitter. Criteria: Invitae Variant Classification Sherloc (09022015). Collection method: clinical testing. Allele origin: germline.
Comment: In summary, the available evidence is currently insufficient to determine the role of this variant in disease. Therefore, it has been classified as a Variant of Uncertain Significance. Algorithms developed to predict the effect of missense changes on protein structure and function (SIFT, PolyPhen-2, Align-GVGD) all suggest that this variant is likely to be disruptive. This variant has not been reported in the literature in individuals affected with PSMB8-related conditions. This variant is present in population databases (rs372030309, gnomAD 0.002%). This sequence change replaces asparagine, which is neutral and polar, with serine, which is neutral and polar, at codon 157 of the PSMB8 protein (p.Asn157Ser).